The following is an entry in ClinVar:

NM_181303.2(NLGN3):c.2348C>T (p.Thr783Met)

Gene: NLGN3 (neuroligin 3; plus strand). Cytogenetic location: Xq13.1.
Variant type: single nucleotide variant.
Coding change: c.2348C>T on transcript NM_181303.2 (MANE Select); coding-DNA position 2348, C replaced by T.
Protein change: p.Thr783Met; replaces threonine 783 with methionine.
Molecular consequence: missense variant.
Genome position (GRCh38, 1-based): chrX:71,169,898, C>T. VCF-style: chrX-71169898-C-T. GRCh37 (hg19) VCF-style: chrX-70389748-C-T.
Other names: c.2228C>T, p.Thr743Met (NM_001166660.2); c.1937C>T, p.Thr646Met (NM_001321276.2); c.2288C>T, p.Thr763Met (NM_018977.4); c.2288C>T (NM_018977.3); short protein forms T646M, T743M, T763M, T783M.
Identifiers: ClinVar variation 1690575 (VCV001690575.3), dbSNP rs781776653, ClinGen allele CA10445231.

ClinVar aggregate classification (germline): Uncertain significance. Review status: criteria provided, multiple submitters, no conflicts (2 of 4 stars). 2 submissions from 2 submitters: Uncertain significance (2). Last evaluated 2025-02-24.

Conditions:
Inborn genetic diseases. Identifiers: MedGen C0950123, MeSH D030342.

Allele frequency attached by ClinVar (database versions not stated): gnomAD exomes below 0.00001; TOPMed below 0.00001.

Submissions (2):

Ambry Genetics
Classification: Uncertain significance for Inborn genetic diseases. Last evaluated: 2025-02-24. Review status: criteria provided, single submitter. Criteria: Ambry Variant Classification Scheme 2023. Collection method: clinical testing. Allele origin: germline.

Laboratorio de Genetica e Diagnostico Molecular, Hospital Israelita Albert Einstein
Classification: Uncertain significance. Last evaluated: 2021-03-24. Review status: criteria provided, single submitter. Criteria: ACMG Guidelines, 2015. Collection method: clinical testing. Allele origin: germline. Affected: yes.
Comment: ACMG classification criteria: PM2, BP4